The following is an entry in ClinVar:

NM_001261826.3(AP3D1):c.3387G>A (p.Leu1129=)

Gene: AP3D1 (adaptor related protein complex 3 subunit delta 1; minus strand). Cytogenetic location: 19p13.3.
Variant type: single nucleotide variant.
Coding change: c.3387G>A on transcript NM_001261826.3 (MANE Select); coding-DNA position 3387, G replaced by A.
Protein change: p.Leu1129=; no amino-acid change (leucine 1129 retained).
Molecular consequence: synonymous variant.
Genome position (GRCh38, 1-based): chr19:2,109,171, C>T on the plus strand (G>A on the coding strand, the complement: AP3D1 is on the minus strand). VCF-style: chr19-2109171-C-T. GRCh37 (hg19) VCF-style: chr19-2109170-C-T.
Other names: p.Leu1129=; c.3351G>A, p.Leu1117= (NM_001374799.1); c.3201G>A, p.Leu1067= (NM_003938.8).
Identifiers: ClinVar variation 4684295 (VCV004684295.1).

ClinVar aggregate classification (germline): Likely benign (1 of 4 stars; one submission).

gnomAD v4.1: 5 of 1,608,612 alleles (0.00031%); highest among the groups gnomAD compares: Admixed American, 0.0017%; no homozygotes.

Submission:

Mayo Clinic Laboratories, Mayo Clinic
Classification: Likely benign. Last evaluated: 2025-10-23. Review status: criteria provided, single submitter. Criteria: ACMG Guidelines, 2015. Collection method: clinical testing. Allele origin: germline. Observed: 2 variant alleles.
Comment: BP4, BP7, PM2_supporting